The following is an entry in ClinVar:

NM_022765.4(MICAL1):c.599C>A (p.Pro200His)

Gene: MICAL1 (microtubule associated monooxygenase, calponin and LIM domain containing 1; minus strand). Cytogenetic location: 6q21.
Variant type: single nucleotide variant.
Coding change: c.599C>A on transcript NM_022765.4 (MANE Select); coding-DNA position 599, C replaced by A.
Protein change: p.Pro200His; replaces proline 200 with histidine.
Molecular consequence: missense variant.
Genome position (GRCh38, 1-based): chr6:109,452,588, G>T on the plus strand (C>A on the coding strand, the complement: MICAL1 is on the minus strand). VCF-style: chr6-109452588-G-T. GRCh37 (hg19) VCF-style: chr6-109773791-G-T.
Other names: c.599C>A, p.Pro200His (NM_001159291.2); c.656C>A, p.Pro219His (NM_001286613.2); short protein forms P200H, P219H.
Identifiers: ClinVar variation 1956048 (VCV001956048.5), dbSNP rs760813009, ClinGen allele CA3953699.

ClinVar aggregate classification (germline): Uncertain significance (1 of 4 stars; one submission).

Allele frequency attached by ClinVar (database versions not stated): ExAC 0.00003.
gnomAD v4.1: 11 of 1,613,022 alleles (0.00068%); highest among the groups gnomAD compares: South Asian, 0.0011%; no homozygotes.

Submission:

Labcorp Genetics (formerly Invitae), Labcorp
Classification: Uncertain significance. Last evaluated: 2025-04-20. Review status: criteria provided, single submitter. Criteria: Invitae Variant Classification Sherloc (09022015). Collection method: clinical testing. Allele origin: germline.
Comment: This sequence change replaces proline, which is neutral and non-polar, with histidine, which is basic and polar, at codon 219 of the MICAL1 protein (p.Pro219His). This variant is present in population databases (rs760813009, gnomAD 0.003%). This variant has not been reported in the literature in individuals affected with MICAL1-related conditions. ClinVar contains an entry for this variant (Variation ID: 1956048). An algorithm developed to predict the effect of missense changes on protein structure and function (PolyPhen-2) suggests that this variant is likely to be disruptive. In summary, the available evidence is currently insufficient to determine the role of this variant in disease. Therefore, it has been classified as a Variant of Uncertain Significance.